The following is an entry in ClinVar:

NM_005477.3(HCN4):c.2090C>T (p.Pro697Leu)

Gene: HCN4 (hyperpolarization activated cyclic nucleotide gated potassium channel 4; minus strand). Cytogenetic location: 15q24.1.
Variant type: single nucleotide variant.
Coding change: c.2090C>T on transcript NM_005477.3 (MANE Select); coding-DNA position 2090, C replaced by T.
Protein change: p.Pro697Leu; replaces proline 697 with leucine.
Molecular consequence: missense variant.
Genome position (GRCh38, 1-based): chr15:73,324,142, G>A on the plus strand (C>T on the coding strand, the complement: HCN4 is on the minus strand). VCF-style: chr15-73324142-G-A. GRCh37 (hg19) VCF-style: chr15-73616483-G-A.
Other names: short protein forms P697L.
Identifiers: ClinVar variation 1023253 (VCV001023253.8), dbSNP rs931375055, ClinGen allele CA393090023.

ClinVar aggregate classification (germline): Uncertain significance (1 of 4 stars; one submission).

Conditions:
Brugada syndrome 8 (BRGDA8). Identifiers: Orphanet 130, MedGen C2751083, MONDO:0013148, OMIM 613123.

Submission:

Labcorp Genetics (formerly Invitae), Labcorp
Classification: Uncertain significance for Brugada syndrome 8. Last evaluated: 2024-08-05. Review status: criteria provided, single submitter. Criteria: Invitae Variant Classification Sherloc (09022015). Collection method: clinical testing. Allele origin: germline.
Comment: This sequence change replaces proline, which is neutral and non-polar, with leucine, which is neutral and non-polar, at codon 697 of the HCN4 protein (p.Pro697Leu). This variant is not present in population databases (gnomAD no frequency). This variant has not been reported in the literature in individuals affected with HCN4-related conditions. ClinVar contains an entry for this variant (Variation ID: 1023253). Advanced modeling of protein sequence and biophysical properties (such as structural, functional, and spatial information, amino acid conservation, physicochemical variation, residue mobility, and thermodynamic stability) performed at Invitae indicates that this missense variant is expected to disrupt HCN4 protein function with a positive predictive value of 80%. In summary, the available evidence is currently insufficient to determine the role of this variant in disease. Therefore, it has been classified as a Variant of Uncertain Significance.